The following is an entry in ClinVar:

NC_000017.10:g.(?_74536224)_(74538656_?)del

Gene: PRCD (photoreceptor disc component; plus strand). Cytogenetic location: 17q25.1.
Variant type: Deletion.
Identifiers: ClinVar variation 3243136 (VCV003243136.1).

ClinVar aggregate classification (germline): Pathogenic (1 of 4 stars; one submission).

Submission:

Labcorp Genetics (formerly Invitae), Labcorp
Classification: Pathogenic. Last evaluated: 2023-10-14. Review status: criteria provided, single submitter. Criteria: Invitae Variant Classification Sherloc (09022015). Collection method: clinical testing. Allele origin: unknown.
Comment: A gross deletion of the genomic region encompassing the full coding sequence of the PRCD gene has been identified. Loss-of-function variants in PRCD are known to be pathogenic (PMID: 16938425, 20507925, 23805042, 28181551). The boundaries of this event are unknown as they extend beyond the assayed region for this gene and therefore may encompass additional genes. This variant has not been reported in the literature in individuals affected with PRCD-related conditions. For these reasons, this variant has been classified as Pathogenic.

Literature cited by the submitters: PubMed 16938425; PubMed 20507925; PubMed 23805042; PubMed 28181551.